The following is an entry in ClinVar:

ClinVar aggregate classification (germline): Uncertain significance (1 of 4 stars; one submission).

Conditions:
Pulmonary fibrosis and/or bone marrow failure, Telomere-related, 4. Also called: PULMONARY FIBROSIS AND/OR BONE MARROW FAILURE SYNDROME, TELOMERE-RELATED, 4. Identifiers: Orphanet 2032, MedGen C4225347, MONDO:0014612, OMIM 616371.
Dyskeratosis congenita, autosomal recessive 6 (DKCB6). Identifiers: MedGen C4225356, MONDO:0014600, OMIM 616353.

Allele frequency attached by ClinVar (database versions not stated): TOPMed below 0.00001.

Submission:

Labcorp Genetics (formerly Invitae), Labcorp
Classification: Uncertain significance for Dyskeratosis congenita, autosomal recessive 6; Pulmonary fibrosis and/or bone marrow failure, Telomere-related, 4. Last evaluated: 2021-04-02. Review status: criteria provided, single submitter. Criteria: Invitae Variant Classification Sherloc (09022015). Collection method: clinical testing. Allele origin: germline.
Comment: In summary, the available evidence is currently insufficient to determine the role of this variant in disease. Therefore, it has been classified as a Variant of Uncertain Significance. Algorithms developed to predict the effect of missense changes on protein structure and function are either unavailable or do not agree on the potential impact of this missense change (SIFT: "Deleterious"; PolyPhen-2: "Benign"; Align-GVGD: "Class C0"). This variant has not been reported in the literature in individuals with PARN-related conditions. This variant is not present in population databases (ExAC no frequency). This sequence change replaces threonine with isoleucine at codon 497 of the PARN protein (p.Thr497Ile). The threonine residue is highly conserved and there is a moderate physicochemical difference between threonine and isoleucine.

NM_002582.4(PARN):c.1490C>T (p.Thr497Ile)

Gene: PARN (poly(A)-specific ribonuclease; minus strand). Cytogenetic location: 16p13.12.
Variant type: single nucleotide variant.
Coding change: c.1490C>T on transcript NM_002582.4 (MANE Select); coding-DNA position 1490, C replaced by T.
Protein change: p.Thr497Ile; replaces threonine 497 with isoleucine.
Molecular consequence: missense variant.
Genome position (GRCh38, 1-based): chr16:14,482,818, G>A on the plus strand (C>T on the coding strand, the complement: PARN is on the minus strand). VCF-style: chr16-14482818-G-A. GRCh37 (hg19) VCF-style: chr16-14576675-G-A.
Other names: c.1307C>T, p.Thr436Ile (NM_001134477.3); c.1352C>T, p.Thr451Ile (NM_001242992.2); short protein forms T451I, T436I, T497I.
Identifiers: ClinVar variation 1473552 (VCV001473552.8), dbSNP rs1963456314, ClinGen allele CA395183712.